The following is an entry in ClinVar:

NM_022918.4(TMEM135):c.1162A>G (p.Ile388Val)

Gene: TMEM135 (transmembrane protein 135; plus strand). Cytogenetic location: 11q14.2.
Variant type: single nucleotide variant.
Coding change: c.1162A>G on transcript NM_022918.4 (MANE Select); coding-DNA position 1162, A replaced by G.
Protein change: p.Ile388Val; replaces isoleucine 388 with valine.
Molecular consequence: missense variant. On other transcripts: non-coding transcript variant (1).
Genome position (GRCh38, 1-based): chr11:87,318,221, A>G. VCF-style: chr11-87318221-A-G. GRCh37 (hg19) VCF-style: chr11-87029263-A-G.
Other names: c.1096A>G, p.Ile366Val (NM_001168724.2); short protein forms I366V, I388V.
Identifiers: ClinVar variation 3049524 (VCV003049524.2), dbSNP rs142933575, ClinGen allele CA6219065.

ClinVar aggregate classification (germline): Likely benign (0 of 4 stars; one submission).

Conditions:
TMEM135-related disorder. Also called: TMEM135-related condition.

Allele frequency attached by ClinVar (database versions not stated): gnomAD exomes 0.00014; ExAC 0.00045; 1000 Genomes Project 0.00060; 1000 Genomes Project 30x 0.00078; gnomAD 0.00123; TOPMed 0.00151; ESP Exome Variant Server 0.00192.
gnomAD v4.1: 389 of 1,611,520 alleles (0.024%); highest among the groups gnomAD compares: African/African-American, 0.48%; no homozygotes.

Submission:

PreventionGenetics, part of Exact Sciences
Classification: Likely benign for TMEM135-related condition. Last evaluated: 2019-07-16. Review status: no assertion criteria provided. Collection method: clinical testing. Allele origin: germline.
Comment: This variant is classified as likely benign based on ACMG/AMP sequence variant interpretation guidelines (Richards et al. 2015 PMID: 25741868, with internal and published modifications).